The following is an entry in ClinVar:

ClinVar aggregate classification (germline): Pathogenic (1 of 4 stars; one submission).

Conditions:
Familial dysautonomia. Also called: HSAN III; FD. Identifiers: Orphanet 1764, MedGen C0013364, MONDO:0009131, OMIM 223900. Disease mechanism: loss of function.

Submission:

Myriad Genetics, Inc.
Classification: Pathogenic for Familial dysautonomia. Last evaluated: 2026-04-06. Review status: criteria provided, single submitter. Criteria: Myriad Autosomal Dominant, Autosomal Recessive and X-Linked Classification Criteria (2023). Collection method: clinical testing. Allele origin: unknown.
Comment: NM_003640.3(ELP1):c.3275delC(A1092Vfs*2) is expected to be pathogenic in the context of familial dysautonomia. This variant is predicted to lead to an abnormal or absent protein product due to the creation of a premature termination codon in ELP1, a gene where loss-of-function variants are known to be pathogenic. Please note: this variant was assessed in the context of healthy population screening.

NM_003640.5(ELP1):c.3275del (p.Ala1092fs)

Gene: ELP1 (elongator acetyltransferase complex subunit 1; minus strand). Cytogenetic location: 9q31.3.
Variant type: Deletion.
Coding change: c.3275del on transcript NM_003640.5 (MANE Select); coding-DNA position 3275, one base deleted (C; older notation c.3275delC).
Protein change: p.Ala1092fs; shifts the reading frame from alanine 1092.
Molecular consequence: frameshift variant.
Genome position (GRCh38, 1-based): chr9:108,882,135, G deleted on the plus strand (C on the coding strand, the reverse complement: ELP1 is on the minus strand). VCF-style (leftmost placement, unchanged base first): chr9-108882134-AG-A. GRCh37 (hg19) VCF-style: chr9-111644414-AG-A.
Other names: c.2933del, p.Ala978fs (NM_001318360.2); c.2228del, p.Ala743fs (NM_001330749.2); short protein forms A1092fs, A743fs, A978fs.
Identifiers: ClinVar variation 5015772 (VCV005015772.1).
Genomic context (GRCh38, chr9:108,882,134, plus strand): 5'-TTGCTCTCTCTGCTTAGCACCCAACATCCAGAGGATTTACAAGATTCTTACCAGCCTCAA[AG>A]CTTCTTCCCAGGCAGCTCCTTCTAACAGCAAGAGCACAGCTTCTTCATAATCCTGACAAG-3'